The following is an entry in ClinVar:

ClinVar aggregate classification (germline): Uncertain significance. Review status: criteria provided, multiple submitters, no conflicts (2 of 4 stars). 2 submissions from 2 submitters: Uncertain significance (2). Last evaluated 2025-10-01.

Conditions:
Ehlers-Danlos syndrome, musculocontractural type 2 (EDSMC2). Identifiers: Orphanet 2953, MedGen C3809845, MONDO:0014236, OMIM 615539.

gnomAD v4.1: 11 of 1,613,508 alleles (0.00068%); highest among the groups gnomAD compares: Non-Finnish European, 0.00068%; no homozygotes.

Submissions (2):

Labcorp Genetics (formerly Invitae), Labcorp
Classification: Uncertain significance for Ehlers-Danlos syndrome, musculocontractural type 2. Last evaluated: 2025-10-01. Review status: criteria provided, single submitter. Criteria: Invitae Variant Classification Sherloc (09022015). Collection method: clinical testing. Allele origin: germline.
Comment: This sequence change replaces threonine, which is neutral and polar, with isoleucine, which is neutral and non-polar, at codon 390 of the DSE protein (p.Thr390Ile). This variant is present in population databases (rs746242827, gnomAD 0.0009%). This variant has not been reported in the literature in individuals affected with DSE-related conditions. ClinVar contains an entry for this variant (Variation ID: 3767455). Invitae Evidence Modeling of protein sequence and biophysical properties (such as structural, functional, and spatial information, amino acid conservation, physicochemical variation, residue mobility, and thermodynamic stability) indicates that this missense variant is not expected to disrupt DSE protein function with a negative predictive value of 80%. In summary, the available evidence is currently insufficient to determine the role of this variant in disease. Therefore, it has been classified as a Variant of Uncertain Significance.

GeneDx
Classification: Uncertain significance. Last evaluated: 2024-09-09. Review status: criteria provided, single submitter. Criteria: GeneDx Variant Classification Process June 2021. Collection method: clinical testing. Allele origin: germline. Affected: yes.
Comment: Not observed at significant frequency in large population cohorts (gnomAD); In silico analysis indicates that this missense variant does not alter protein structure/function; Has not been previously published as pathogenic or benign to our knowledge

NM_013352.4(DSE):c.1169C>T (p.Thr390Ile)

Gene: DSE (dermatan sulfate epimerase; plus strand). Cytogenetic location: 6q22.1.
Variant type: single nucleotide variant.
Coding change: c.1169C>T on transcript NM_013352.4 (MANE Select); coding-DNA position 1169, C replaced by T.
Protein change: p.Thr390Ile; replaces threonine 390 with isoleucine.
Molecular consequence: missense variant. On other transcripts: 3 prime UTR variant (2), non-coding transcript variant (1).
Genome position (GRCh38, 1-based): chr6:116,435,637, C>T. VCF-style: chr6-116435637-C-T. GRCh37 (hg19) VCF-style: chr6-116756800-C-T.
Other names: c.1169C>T, p.Thr390Ile (NM_001080976.3, NM_001322937.2, NM_001322938.2); c.1226C>T, p.Thr409Ile (NM_001322939.2); c.608C>T, p.Thr203Ile (NM_001322940.2, NM_001322941.2); c.*34C>T (NM_001322943.2, NM_001322944.2); c.170C>T, p.Thr57Ile (NM_001374520.1); c.134C>T, p.Thr45Ile (NM_001374521.1); short protein forms T203I, T390I, T409I, T45I, T57I.
Identifiers: ClinVar variation 3767455 (VCV003767455.2).